The following is an entry in ClinVar:

ClinVar aggregate classification (germline): Pathogenic (1 of 4 stars; one submission).

Conditions:
Hereditary factor VIII deficiency disease (HEMA). Also called: AUTOSOMAL HEMOPHILIA A; Hemophilia A; HEMOPHILIA, CLASSIC; Hemophilia A, congenital; HEM A; Factor 8 deficiency, congenital. Identifiers: Orphanet 98878, MedGen C0019069, MONDO:0010602, OMIM 306700.

Submission:

ARUP Laboratories, Molecular Genetics and Genomics, ARUP Laboratories
Classification: Pathogenic for Hereditary factor VIII deficiency disease. Last evaluated: 2018-09-25. Review status: criteria provided, single submitter. Criteria: ARUP Molecular Germline Variant Investigation Process. Collection method: clinical testing. Allele origin: germline.
Comment: The F8 c.3861_3867delCTCAAAA; p.Phe1287fs variant, to our knowledge, is not reported in the medical literature or gene specific databases. This variant is also absent from general population databases (1000 Genomes Project, Exome Variant Server, and Genome Aggregation Database), indicating it is not a common polymorphism. This variant causes a frameshift by deleting 7 nucleotides, so it is predicted to result in a truncated protein or mRNA subject to nonsense-mediated decay. Additionally, other frameshift variants in F8 have been reported in individuals with severe hemophilia A and are considered pathogenic (Bogdanova 2002, Reitter 2010, see link to F8 database and references therein). Based on available information, the p.Phe1287fs variant is considered to be pathogenic. References: Link to F8 database: Bogdanova N et al. Prevalence of small rearrangements in the factor VIII gene F8C among patients with severe hemophilia A. Hum Mutat. 2002 Sep;20(3):236-7. Reitter S et al. Spectrum of causative mutations in patients with haemophilia A in Austria. Thromb Haemost. 2010 Jul;104(1):78-85.

NM_000132.4(F8):c.3861_3867del (p.Phe1287fs)

Gene: F8 (coagulation factor VIII; minus strand). Cytogenetic location: Xq28.
Variant type: Deletion.
Coding change: c.3861_3867del on transcript NM_000132.4 (MANE Select); coding-DNA positions 3861 to 3867, 7 bases deleted (CTCAAAA; older notation c.3861_3867delCTCAAAA).
Protein change: p.Phe1287fs; shifts the reading frame from phenylalanine 1287.
Molecular consequence: frameshift variant.
Genome position (GRCh38, 1-based): chrX:154,929,923-154,929,929, TTTTGAG deleted on the plus strand (CTCAAAA on the coding strand, the reverse complement: F8 is on the minus strand). VCF-style (leftmost placement, unchanged base first): chrX-154929922-TTTTTGAG-T. GRCh37 (hg19) VCF-style: chrX-154158197-TTTTTGAG-T.
Other names: short protein forms F1287fs.
Identifiers: ClinVar variation 811155 (VCV000811155.8), dbSNP rs1603433779, ClinGen allele CA915952000.
Genomic context (GRCh38, chrX:154,929,922, plus strand): 5'-ATTTCTCTACAATTTGCTTGGTTTGATTTCCCAAGCCTTCCAAGTTTTCTTCCTCCCCTT[TTTTTGAG>T]AAATGAGCTGTGTGTTTCTTTGTTCTATTTGTTGAATCATTTAATGACCTAAAATCTTGA-3'